The following is an entry in ClinVar:

NM_000538.4(RFXAP):c.*472C>T

Gene: RFXAP (regulatory factor X associated protein; plus strand). Cytogenetic location: 13q13.3.
Variant type: single nucleotide variant.
Coding change: c.*472C>T on transcript NM_000538.4 (MANE Select); 472 bases downstream of the stop codon, C replaced by T.
Molecular consequence: 3 prime UTR variant.
Genome position (GRCh38, 1-based): chr13:36,828,225, C>T. VCF-style: chr13-36828225-C-T. GRCh37 (hg19) VCF-style: chr13-37402362-C-T.
Identifiers: ClinVar variation 311796 (VCV000311796.5), dbSNP rs150569371, ClinGen allele CA10639374.
Genomic context (GRCh38, chr13:36,828,225, plus strand): 5'-GTGGCCAGGAATGCTAAATGTTCTGCAGTGTCAGGGGTAGTCCCACATACTAAAGATTGT[C>T]TCACCCGCAGTGCCAATAACACTCCTAAGAAATGTTGATGGCTATTTTGTGGTGCTAACA-3'

ClinVar aggregate classification (germline): Benign (1 of 4 stars; one submission).

Conditions:
MHC class II deficiency. Also called: Bare lymphocyte syndrome 2; BLS, TYPE II. Identifiers: Orphanet 572, MedGen C5447452, MONDO:0008855.

Allele frequency attached by ClinVar (database versions not stated): gnomAD exomes 0.00486; gnomAD 0.00460 and 0.00380; 1000 Genomes Project 30x 0.00828; TOPMed 0.00437; 1000 Genomes Project 0.00938.

Submission:

Illumina Laboratory Services, Illumina
Classification: Benign for MHC class II deficiency 1. Last evaluated: 2018-01-12. Review status: criteria provided, single submitter. Criteria: ICSL Variant Classification Criteria 13 December 2019. Collection method: clinical testing. Allele origin: germline.
Comment: This variant was observed in the ICSL laboratory as part of a predisposition screen in an ostensibly healthy population. It had not been previously curated by ICSL or reported in the Human Gene Mutation Database (HGMD: prior to June 1st, 2018), and was therefore a candidate for classification through an automated scoring system. Utilizing variant allele frequency, disease prevalence and penetrance estimates, and inheritance mode, an automated score was calculated to assess if this variant is too frequent to cause the disease. Based on the score and internal cut-off values, a variant classified as benign is not then subjected to further curation. The score for this variant resulted in a classification of benign for this disease.